The following is an entry in ClinVar:

NM_006070.6(TFG):c.448_450del (p.Ser150del)

Gene: TFG (trafficking from ER to golgi regulator; plus strand). Cytogenetic location: 3q12.2.
Variant type: Deletion.
Coding change: c.448_450del on transcript NM_006070.6 (MANE Select); coding-DNA positions 448 to 450, 3 bases deleted (TCT; older notation c.448_450delTCT).
Protein change: p.Ser150del; deletes serine 150.
Genome position (GRCh38, 1-based): chr3:100,732,540-100,732,542, TCT deleted; deleting any 3 consecutive bases within chr3:100,732,538-100,732,542 gives the same sequence; the c. name uses the placement nearest the transcript's 3' end. VCF-style (leftmost placement, unchanged base first): chr3-100732537-GCTT-G. GRCh37 (hg19) VCF-style: chr3-100451381-GCTT-G.
Other names: c.448_450del, p.Ser150del (NM_001007565.2, NM_001195478.2, NM_001195479.2); short protein forms S150del.
Identifiers: ClinVar variation 4787522 (VCV004787522.1).
Genomic context (GRCh38, chr3:100,732,537, plus strand): 5'-CAAGTTTTTGTTTATTCCTCTATTTTTACAGATACTGTGGATGGTAGGGAAGAAAAGTCT[GCTT>G]CTGATTCTTCTGGAAAACAGTCTACTCAGGTTATGGCAGCAAGTATGTCTGCTTTTGATC-3'

ClinVar aggregate classification (germline): Uncertain significance (1 of 4 stars; one submission).

Conditions:
Hereditary motor and sensory neuropathy, Okinawa type (HMSNO). Also called: HEREDITARY MOTOR AND SENSORY NEUROPATHY, PROXIMAL TYPE. Identifiers: Orphanet 90117, MedGen C1858338, MONDO:0011468, OMIM 604484.
Hereditary spastic paraplegia 57. Also called: Spastic paraplegia 57, autosomal recessive. Identifiers: Orphanet 431329, MedGen C3714897, MONDO:0014295, OMIM 615658.

Submission:

Labcorp Genetics (formerly Invitae), Labcorp
Classification: Uncertain significance for Hereditary motor and sensory neuropathy, Okinawa type; Hereditary spastic paraplegia 57. Last evaluated: 2026-01-11. Review status: criteria provided, single submitter. Criteria: Invitae Variant Classification Sherloc (09022015). Collection method: clinical testing. Allele origin: germline.
Comment: This variant, c.448_450del, results in the deletion of 1 amino acid(s) of the TFG protein (p.Ser150del), but otherwise preserves the integrity of the reading frame. This variant is present in population databases (rs750759898, gnomAD 0.0009%). This variant has been observed in individual(s) with TFG-related conditions (internal data). Experimental studies and prediction algorithms are not available or were not evaluated, and the functional significance of this variant is currently unknown. In summary, the available evidence is currently insufficient to determine the role of this variant in disease. Therefore, it has been classified as a Variant of Uncertain Significance.